The following is an entry in ClinVar:

ClinVar aggregate classification (germline): Likely benign. Review status: criteria provided, multiple submitters, no conflicts (2 of 4 stars). 2 submissions from 2 submitters: Likely benign (2). Last evaluated 2026-02-27.

Allele frequency attached by ClinVar (database versions not stated): gnomAD 0.00003; gnomAD exomes below 0.00001; ExAC 0.00001; TOPMed 0.00002.
gnomAD v4.1: 9 of 1,599,808 alleles (0.00056%); highest among the groups gnomAD compares: African/African-American, 0.011%; no homozygotes.

Submissions (2):

Women's Health and Genetics/Laboratory Corporation of America, LabCorp
Classification: Likely benign. Last evaluated: 2026-02-27. Review status: criteria provided, single submitter. Criteria: LabCorp Variant Classification Summary - May 2015. Collection method: clinical testing. Allele origin: germline.
Comment: Variant summary: KMT2A c.3635-13G>A alters a conserved nucleotide located at a position not widely known to affect splicing. Consensus agreement among computation tools predict no significant impact on normal splicing. However, these predictions have yet to be confirmed by functional studies. The variant allele was found at a frequency of 4.2e-06 in 238640 control chromosomes. The available data on variant occurrences in the general population are insufficient to allow any conclusion about variant significance. To our knowledge, no occurrence of c.3635-13G>A in individuals affected with KMT2A-related conditions and no experimental evidence demonstrating its impact on protein function have been reported. ClinVar contains an entry for this variant (Variation ID: 2973614). Based on the evidence outlined above, the variant was classified as likely benign.

Labcorp Genetics (formerly Invitae), Labcorp
Classification: Likely benign. Last evaluated: 2025-12-15. Review status: criteria provided, single submitter. Criteria: Invitae Variant Classification Sherloc (09022015). Collection method: clinical testing. Allele origin: germline.

NM_001197104.2(KMT2A):c.3635-13G>A

Gene: KMT2A (lysine methyltransferase 2A; plus strand). Cytogenetic location: 11q23.3.
Variant type: single nucleotide variant.
Coding change: c.3635-13G>A on transcript NM_001197104.2 (MANE Select); 13 bases into the intron before coding-DNA position 3635, G replaced by A.
Molecular consequence: intron variant.
Genome position (GRCh38, 1-based): chr11:118,481,702, G>A. VCF-style: chr11-118481702-G-A. GRCh37 (hg19) VCF-style: chr11-118352417-G-A.
Other names: c.3734-13G>A (NM_001412597.1); c.3635-13G>A (NM_005933.4).
Identifiers: ClinVar variation 2973614 (VCV002973614.4), dbSNP rs782215977, ClinGen allele CA6303706.
Genomic context (GRCh38, chr11:118,481,702, plus strand): 5'-TGGCTCTGTAATTCTATTTTAAATAAAATTATTCTCACTATAGACAGATGATGTTGTTGT[G>A]TTTTTCCCTCAGCTGTGAAAAAGAAAGAGAAAAAGTCTAAGACCAGTGAAAAGAAAGACA-3'